The following is an entry in ClinVar:

NM_207037.2(TCF12):c.1343G>A (p.Ser448Asn)

Gene: TCF12 (transcription factor 12; plus strand). Cytogenetic location: 15q21.3.
Variant type: single nucleotide variant.
Coding change: c.1343G>A on transcript NM_207037.2 (MANE Select); coding-DNA position 1343, G replaced by A.
Protein change: p.Ser448Asn; replaces serine 448 with asparagine.
Molecular consequence: missense variant.
Genome position (GRCh38, 1-based): chr15:57,253,344, G>A. VCF-style: chr15-57253344-G-A. GRCh37 (hg19) VCF-style: chr15-57545542-G-A.
Other names: c.833G>A, p.Ser278Asn (NM_001306219.3); c.563G>A, p.Ser188Asn (NM_001306220.3); c.1343G>A, p.Ser448Asn (NM_001322151.2, NM_001322152.2, NM_001322159.3 and 2 more transcripts); c.686G>A, p.Ser229Asn (NM_001322154.2); c.1169G>A, p.Ser390Asn (NM_001322156.2); c.1271G>A, p.Ser424Asn (NM_001322157.3, NM_001322165.2, NM_003205.4 and 1 more transcripts); c.1097G>A, p.Ser366Asn (NM_001322158.2); c.1340G>A, p.Ser447Asn (NM_001322161.2); and 2 more; short protein forms S188N, S229N, S254N, S278N, S366N, S390N, S424N, S436N.
Identifiers: ClinVar variation 2442401 (VCV002442401.1), dbSNP rs2551484929, ClinGen allele CA392586838.

ClinVar aggregate classification (germline): Uncertain significance (1 of 4 stars; one submission).

Allele frequency attached by ClinVar (database versions not stated): gnomAD exomes 0.00001.
gnomAD v4.1: 8 of 1,614,054 alleles (0.0005%); highest among the groups gnomAD compares: Non-Finnish European, 0.00068%; no homozygotes.

Submission:

GeneDx
Classification: Uncertain significance. Last evaluated: 2022-08-29. Review status: criteria provided, single submitter. Criteria: GeneDx Variant Classification Process June 2021. Collection method: clinical testing. Allele origin: germline. Affected: yes.
Comment: Not observed at significant frequency in large population cohorts (gnomAD); In silico analysis supports that this missense variant does not alter protein structure/function; Has not been previously published as pathogenic or benign to our knowledge